The following is an entry in ClinVar:

ClinVar aggregate classification (germline): Benign. Review status: criteria provided, multiple submitters, no conflicts (2 of 4 stars). 3 submissions from 3 submitters: Benign (3). Last evaluated 2018-11-10.

Conditions:
Autosomal recessive distal renal tubular acidosis. Identifiers: Orphanet 402041, MedGen C1864498, MONDO:0018440.

Allele frequency attached by ClinVar (database versions not stated): gnomAD exomes 0.19212; 1000 Genomes Project 0.20707; 1000 Genomes Project 30x 0.21112; gnomAD 0.22231 and 0.22481; TOPMed 0.22522.
gnomAD v4.1: 106,482 of 529,434 alleles (20%); highest among the groups gnomAD compares: African/African-American, 30%; 11,700 homozygotes.

Submissions (3):

GeneDx
Classification: Benign. Last evaluated: 2018-11-10. Review status: criteria provided, single submitter. Criteria: GeneDx Variant Classification Process June 2021. Collection method: clinical testing. Allele origin: germline. Affected: yes.

Illumina Laboratory Services, Illumina
Classification: Benign for Renal tubular acidosis, distal, 3, with or without sensorineural hearing loss. Last evaluated: 2018-01-13. Review status: criteria provided, single submitter. Criteria: ICSL Variant Classification Criteria 13 December 2019. Collection method: clinical testing. Allele origin: germline.
Comment: This variant was observed in the ICSL laboratory as part of a predisposition screen in an ostensibly healthy population. It had not been previously curated by ICSL or reported in the Human Gene Mutation Database (HGMD: prior to June 1st, 2018), and was therefore a candidate for classification through an automated scoring system. Utilizing variant allele frequency, disease prevalence and penetrance estimates, and inheritance mode, an automated score was calculated to assess if this variant is too frequent to cause the disease. Based on the score and internal cut-off values, a variant classified as benign is not then subjected to further curation. The score for this variant resulted in a classification of benign for this disease.

Breakthrough Genomics
Classification: Benign. Review status: criteria provided, single submitter. Criteria: ACMG Guidelines, 2015. Collection method: not provided. Allele origin: germline. Inheritance: Autosomal recessive inheritance. Affected: yes.

NM_020632.3(ATP6V0A4):c.*239G>A

Gene: ATP6V0A4 (ATPase H+ transporting V0 subunit a4; minus strand). Cytogenetic location: 7q34.
Variant type: single nucleotide variant.
Coding change: c.*239G>A on transcript NM_020632.3 (MANE Select); 239 bases downstream of the stop codon, G replaced by A.
Molecular consequence: 3 prime UTR variant.
Genome position (GRCh38, 1-based): chr7:138,706,385, C>T on the plus strand (G>A on the coding strand, the complement: ATP6V0A4 is on the minus strand). VCF-style: chr7-138706385-C-T. GRCh37 (hg19) VCF-style: chr7-138391130-C-T.
Other names: c.*239G>A (NM_130840.3, NM_130841.3).
Identifiers: ClinVar variation 358999 (VCV000358999.7), dbSNP rs8846, ClinGen allele CA10628244.